The following is an entry in ClinVar:

NM_001376.5(DYNC1H1):c.3766G>A (p.Asp1256Asn)

Gene: DYNC1H1 (dynein cytoplasmic 1 heavy chain 1; plus strand). Cytogenetic location: 14q32.31.
Variant type: single nucleotide variant.
Coding change: c.3766G>A on transcript NM_001376.5 (MANE Select); coding-DNA position 3766, G replaced by A.
Protein change: p.Asp1256Asn; replaces aspartic acid 1256 with asparagine.
Molecular consequence: missense variant.
Genome position (GRCh38, 1-based): chr14:101,997,236, G>A. VCF-style: chr14-101997236-G-A. GRCh37 (hg19) VCF-style: chr14-102463573-G-A.
Other names: short protein forms D1256N.
Identifiers: ClinVar variation 472529 (VCV000472529.12), dbSNP rs760571415, ClinGen allele CA7352074.

ClinVar aggregate classification (germline): Uncertain significance. Review status: criteria provided, multiple submitters, no conflicts (2 of 4 stars). 4 submissions from 4 submitters: Uncertain significance (3). 1 of the submissions does not count toward it. Last evaluated 2025-10-24.

Conditions:
DYNC1H1-related disorder. Also called: DYNC1H1-related condition; DYNC1H1-related disorders. Identifiers: MedGen CN381529.
Inborn genetic diseases. Identifiers: MedGen C0950123, MeSH D030342.
Charcot-Marie-Tooth disease axonal type 2O. Also called: CHARCOT-MARIE-TOOTH NEUROPATHY, AXONAL, TYPE 2O; CHARCOT-MARIE-TOOTH DISEASE, AXONAL, AUTOSOMAL DOMINANT, TYPE 2O; Charcot-Marie-Tooth Neuropathy Type 2O; Charcot-Marie-Tooth disease, axonal, type 20. Identifiers: Orphanet 284232, MedGen C3280220, MONDO:0013644, OMIM 614228.

Allele frequency attached by ClinVar (database versions not stated): gnomAD exomes below 0.00001; ExAC 0.00001; TOPMed 0.00001; gnomAD 0.00002.
gnomAD v4.1: 9 of 1,613,902 alleles (0.00056%); highest among the groups gnomAD compares: African/African-American, 0.0013%; no homozygotes.

Submissions (4):

Ambry Genetics
Classification: Uncertain significance for Inborn genetic diseases. Last evaluated: 2025-10-24. Review status: criteria provided, single submitter. Criteria: Ambry Variant Classification Scheme 2023. Collection method: clinical testing. Allele origin: germline.

GeneDx
Classification: Uncertain significance. Last evaluated: 2025-01-15. Review status: criteria provided, single submitter. Criteria: GeneDx Variant Classification Process June 2021. Collection method: clinical testing. Allele origin: germline. Affected: yes.
Comment: In silico analysis supports that this missense variant has a deleterious effect on protein structure/function; Has not been previously published as pathogenic or benign to our knowledge; This variant is associated with the following publications: (PMID: 26100331, 25609763, 25512093)

Labcorp Genetics (formerly Invitae), Labcorp
Classification: Uncertain significance for Charcot-Marie-Tooth disease axonal type 2O. Last evaluated: 2024-09-27. Review status: criteria provided, single submitter. Criteria: Invitae Variant Classification Sherloc (09022015). Collection method: clinical testing. Allele origin: germline.
Comment: This sequence change replaces aspartic acid, which is acidic and polar, with asparagine, which is neutral and polar, at codon 1256 of the DYNC1H1 protein (p.Asp1256Asn). The frequency data for this variant in the population databases is considered unreliable, as metrics indicate poor data quality at this position in the gnomAD database. This variant has not been reported in the literature in individuals affected with DYNC1H1-related conditions. ClinVar contains an entry for this variant (Variation ID: 472529). Invitae Evidence Modeling of protein sequence and biophysical properties (such as structural, functional, and spatial information, amino acid conservation, physicochemical variation, residue mobility, and thermodynamic stability) has been performed for this missense variant. However, the output from this modeling did not meet the statistical confidence thresholds required to predict the impact of this variant on DYNC1H1 protein function. In summary, the available evidence is currently insufficient to determine the role of this variant in disease. Therefore, it has been classified as a Variant of Uncertain Significance.

PreventionGenetics, part of Exact Sciences
Classification: Uncertain significance for DYNC1H1-related condition. Last evaluated: 2024-01-25. Review status: no assertion criteria provided. Collection method: clinical testing. Allele origin: germline. Not counted in ClinVar's aggregate classification.
Comment: The DYNC1H1 c.3766G>A variant is predicted to result in the amino acid substitution p.Asp1256Asn. To our knowledge, this variant has not been reported in the literature. This variant is reported in 0.0040% of alleles in individuals of African descent in gnomAD. At this time, the clinical significance of this variant is uncertain due to the absence of conclusive functional and genetic evidence.